The following is an entry in ClinVar:

NM_001999.4(FBN2):c.8323A>G (p.Ser2775Gly)

Gene: FBN2 (fibrillin 2; minus strand). Cytogenetic location: 5q23.3.
Variant type: single nucleotide variant.
Coding change: c.8323A>G on transcript NM_001999.4 (MANE Select); coding-DNA position 8323, A replaced by G.
Protein change: p.Ser2775Gly; replaces serine 2775 with glycine.
Molecular consequence: missense variant.
Genome position (GRCh38, 1-based): chr5:128,261,777, T>C on the plus strand (A>G on the coding strand, the complement: FBN2 is on the minus strand). VCF-style: chr5-128261777-T-C. GRCh37 (hg19) VCF-style: chr5-127597469-T-C.
Other names: short protein forms S2775G.
Identifiers: ClinVar variation 2985749 (VCV002985749.3), dbSNP rs1188395679, ClinGen allele CA360747218.

ClinVar aggregate classification (germline): Uncertain significance (1 of 4 stars; one submission).

Conditions:
Congenital contractural arachnodactyly (CCA). Also called: BEALS SYNDROME; Arthrogryposis, distal, type 9; Beals-Hecht syndrome. Identifiers: Orphanet 115, MedGen C0220668, MONDO:0007363, OMIM 121050.

Allele frequency attached by ClinVar (database versions not stated): gnomAD exomes 0.00001.
gnomAD v4.1: 4 of 1,614,250 alleles (0.00025%); highest among the groups gnomAD compares: East Asian, 0.0045%; no homozygotes.

Submission:

Labcorp Genetics (formerly Invitae), Labcorp
Classification: Uncertain significance for Congenital contractural arachnodactyly. Last evaluated: 2025-11-19. Review status: criteria provided, single submitter. Criteria: Invitae Variant Classification Sherloc (09022015). Collection method: clinical testing. Allele origin: germline.
Comment: This sequence change replaces serine, which is neutral and polar, with glycine, which is neutral and non-polar, at codon 2775 of the FBN2 protein (p.Ser2775Gly). This variant is not present in population databases (gnomAD no frequency). This variant has not been reported in the literature in individuals affected with FBN2-related conditions. ClinVar contains an entry for this variant (Variation ID: 2985749). Invitae Evidence Modeling of protein sequence and biophysical properties (such as structural, functional, and spatial information, amino acid conservation, physicochemical variation, residue mobility, and thermodynamic stability) indicates that this missense variant is not expected to disrupt FBN2 protein function with a negative predictive value of 95%. In summary, the available evidence is currently insufficient to determine the role of this variant in disease. Therefore, it has been classified as a Variant of Uncertain Significance.